The following is an entry in ClinVar:

NM_004612.4(TGFBR1):c.546T>C (p.Tyr182=)

Gene: TGFBR1 (transforming growth factor beta receptor 1; plus strand). Cytogenetic location: 9q22.33.
Variant type: single nucleotide variant.
Coding change: c.546T>C on transcript NM_004612.4 (MANE Select); coding-DNA position 546, T replaced by C.
Protein change: p.Tyr182=; no amino-acid change (tyrosine 182 retained).
Molecular consequence: synonymous variant. On other transcripts: non-coding transcript variant (4), intron variant (3).
Genome position (GRCh38, 1-based): chr9:99,132,711, T>C. VCF-style: chr9-99132711-T-C. GRCh37 (hg19) VCF-style: chr9-101894993-T-C.
Other names: c.558T>C, p.Tyr186= (NM_001306210.2, NM_001407416.1); c.546T>C, p.Tyr182= (NM_001407417.1, NM_001407435.1); c.351T>C, p.Tyr117= (NM_001407418.1, NM_001407419.1, NM_001407420.1 and 1 more transcripts); c.339T>C, p.Tyr113= (NM_001407423.1, NM_001407424.1, NM_001407425.1 and 8 more transcripts); c.300T>C, p.Tyr100= (NM_001407436.1); c.343+3611T>C (NM_001130916.3); c.98-5148T>C (NM_001407438.1); c.98-9825T>C (NM_001407437.1).
Identifiers: ClinVar variation 3070751 (VCV003070751.1), dbSNP rs2490144845, ClinGen allele CA466648171.
Genomic context (GRCh38, chr9:99,132,711, plus strand): 5'-GGACCCTTCATTAGATCGCCCTTTTATTTCAGAGGGTACTACGTTGAAAGACTTAATTTA[T>C]GATATGACAACGTCAGGTTCTGGCTCAGGTAACATAATTGTTTCTCCTTTTTCCTAAGAC-3'
Protein context (NP_004603.1, residues 172-192): SEGTTLKDLI[Tyr182=]DMTTSGSGSG

ClinVar aggregate classification (germline): Likely benign (1 of 4 stars; one submission).

Conditions:
Loeys-Dietz syndrome (LDS). Identifiers: Orphanet 60030, MedGen C2697932, MONDO:0018954.

Allele frequency attached by ClinVar (database versions not stated): gnomAD exomes below 0.00001.
gnomAD v4.1: 1 of 1,614,174 alleles (0.000062%); highest among the groups gnomAD compares: Non-Finnish European, 0.000085%; no homozygotes.

Submission:

All of Us Research Program, National Institutes of Health
Classification: Likely benign for Loeys-Dietz syndrome. Last evaluated: 2023-05-04. Review status: criteria provided, single submitter. Criteria: ACMG Guidelines, 2015. Collection method: clinical testing. Allele origin: germline. Inheritance: Autosomal dominant inheritance. Observed: 1 variant allele, 1 heterozygote.
Comment: This study involves interpretation of variants in research participants for the purpose of population health screening. Participant phenotype was not available at the time of variant classification. Additional details can be found in publication PMID: 35346344, PMCID: PMC8962531